The following is an entry in ClinVar:

NM_001036.6(RYR3):c.578T>G (p.Val193Gly)

Gene: RYR3 (ryanodine receptor 3; plus strand). Cytogenetic location: 15q14.
Variant type: single nucleotide variant.
Coding change: c.578T>G on transcript NM_001036.6 (MANE Select); coding-DNA position 578, T replaced by G.
Protein change: p.Val193Gly; replaces valine 193 with glycine.
Molecular consequence: missense variant.
Genome position (GRCh38, 1-based): chr15:33,540,822, T>G. VCF-style: chr15-33540822-T-G. GRCh37 (hg19) VCF-style: chr15-33833023-T-G.
Other names: c.578T>G, p.Val193Gly (NM_001243996.4); short protein forms V193G.
Identifiers: ClinVar variation 1057595 (VCV001057595.9), dbSNP rs1296124289, ClinGen allele CA391561169.

ClinVar aggregate classification (germline): Uncertain significance (1 of 4 stars; one submission).

Conditions:
Epileptic encephalopathy. Identifiers: MedGen C0543888, HP:0200134.

Submission:

Labcorp Genetics (formerly Invitae), Labcorp
Classification: Uncertain significance for Epileptic encephalopathy. Last evaluated: 2020-02-18. Review status: criteria provided, single submitter. Criteria: Invitae Variant Classification Sherloc (09022015). Collection method: clinical testing. Allele origin: germline.
Comment: This sequence change replaces valine with glycine at codon 193 of the RYR3 protein (p.Val193Gly). The valine residue is highly conserved and there is a moderate physicochemical difference between valine and glycine. This variant is not present in population databases (ExAC no frequency). This variant has not been reported in the literature in individuals with RYR3-related conditions. Algorithms developed to predict the effect of missense changes on protein structure and function are either unavailable or do not agree on the potential impact of this missense change (SIFT: "Deleterious"; PolyPhen-2: "Possibly Damaging"; Align-GVGD: "Class C0"). In summary, the available evidence is currently insufficient to determine the role of this variant in disease. Therefore, it has been classified as a Variant of Uncertain Significance.